The following is an entry in ClinVar:

NM_001378609.3(OTOGL):c.841_842del (p.Met281fs)

Gene: OTOGL (otogelin like; plus strand). Cytogenetic location: 12q21.31.
Variant type: Deletion.
Coding change: c.841_842del on transcript NM_001378609.3 (MANE Select); coding-DNA positions 841 to 842, 2 bases deleted (AT; older notation c.841_842delAT).
Protein change: p.Met281fs; shifts the reading frame from methionine 281.
Molecular consequence: frameshift variant.
Genome position (GRCh38, 1-based): chr12:80,238,874-80,238,875, AT deleted; deleting any 2 consecutive bases within chr12:80,238,873-80,238,875 gives the same sequence; the c. name uses the placement nearest the transcript's 3' end. VCF-style (leftmost placement, unchanged base first): chr12-80238872-CTA-C. GRCh37 (hg19) VCF-style: chr12-80632652-CTA-C.
Other names: c.814_815delAT (NM_173591.3); c.841_842del, p.Met281fs (NM_001368062.3, NM_001378610.3, NM_173591.7); short protein forms M272fs, M281fs.
Identifiers: ClinVar variation 228285 (VCV000228285.22), dbSNP rs876657658, ClinGen allele CA6700284.

ClinVar aggregate classification (germline): Pathogenic/Likely pathogenic. Review status: criteria provided, multiple submitters, no conflicts (2 of 4 stars). 6 submissions from 6 submitters: Pathogenic (4); Likely pathogenic (1). 1 of the submissions does not count toward it. Last evaluated 2026-09-01.

Conditions:
OTOGL-related disorder. Also called: OTOGL-related condition.
Rare genetic deafness. Identifiers: Orphanet 96210, MedGen C5680250.
Autosomal recessive nonsyndromic hearing loss 84B. Also called: Deafness, autosomal recessive 84b. Identifiers: Orphanet 90636, MedGen C3554159, MONDO:0013984, OMIM 614944.

Submissions (6):

CeGaT Center for Human Genetics Tuebingen
Classification: Pathogenic. Last evaluated: 2026-09-01. Review status: criteria provided, single submitter. Criteria: CeGaT Center For Human Genetics Tuebingen Variant Classification Criteria Version 2. Collection method: clinical testing. Allele origin: germline. Affected: yes. Observed: 2 variant alleles.
Comment: OTOGL: PVS1, PM2, PM3:Supporting

Blueprint Genetics
Classification: Pathogenic for OTOGL-related disorders. Last evaluated: 2024-10-18. Review status: criteria provided, single submitter. Criteria: ACMG Guidelines, 2015. Collection method: clinical testing. Allele origin: germline. Affected: yes. Observed: 5 variant alleles.

Labcorp Genetics (formerly Invitae), Labcorp
Classification: Pathogenic. Last evaluated: 2024-02-28. Review status: criteria provided, single submitter. Criteria: Invitae Variant Classification Sherloc (09022015). Collection method: clinical testing. Allele origin: germline.
Comment: This sequence change creates a premature translational stop signal (p.Met272Valfs*4) in the OTOGL gene. It is expected to result in an absent or disrupted protein product. Loss-of-function variants in OTOGL are known to be pathogenic (PMID: 23122586). This variant is present in population databases (rs776663993, gnomAD 0.005%). This variant has not been reported in the literature in individuals affected with OTOGL-related conditions. ClinVar contains an entry for this variant (Variation ID: 228285). For these reasons, this variant has been classified as Pathogenic.

Fulgent Genetics
Classification: Pathogenic for Autosomal recessive nonsyndromic hearing loss 84B. Last evaluated: 2024-01-17. Review status: criteria provided, single submitter. Criteria: ACMG Guidelines, 2015. Collection method: clinical testing. Allele origin: germline.

Laboratory for Molecular Medicine, Mass General Brigham Personalized Medicine
Classification: Likely pathogenic for Rare genetic deafness. Last evaluated: 2015-06-11. Review status: criteria provided, single submitter. Criteria: LMM Criteria. Collection method: clinical testing. Allele origin: germline. Observed: 1 variant allele.
Comment: The p.Met272ValfsX4 variant in OTOGL has not been previously reported in individ uals with hearing loss, but has been identified in 2/12820 chromosomes by the Ex ome Aggregation Consortium (ExAC). Although this variant has been seen in the general population, its frequency is low enough to be consistent with a recessive carrier frequency. This variant is predicted to cause a frameshift, which alters the protein?s amino acid sequence beginning at position 272 and leads to a premature termination codon 4 amino acids downstream . This alteration is then predicted to lead to a truncated or absent protein. I n summary, although additional studies are required to fully establish its clini cal significance, this variant is likely pathogenic.

Service de Biologie Medicale, CIUSSS du Saguenay-Lac-Saint-Jean
Classification: Likely pathogenic for Autosomal recessive nonsyndromic hearing loss 84B. Last evaluated: 2017-03-29. Review status: no assertion criteria provided. Collection method: clinical testing. Allele origin: inherited. Affected: yes. Observed: 2 variant alleles. Not counted in ClinVar's aggregate classification.
Comment: Observed in two individuals from non-related families. The first was homozygous for the variant. The second was compound heterozygous with the variant: OTOGL: c.5023G>A, (p.Gly1675Arg)

Literature cited by the submitters: PubMed 23122586 (cited by Labcorp Genetics (formerly Invitae), Labcorp); DOI 10.1007/s00439-021-02332-w (cited by Service de Biologie Medicale, CIUSSS du Saguenay-Lac-Saint-Jean).